The following is an entry in ClinVar:

NM_006218.4(PIK3CA):c.476C>T (p.Pro159Leu)

Gene: PIK3CA (phosphatidylinositol-4,5-bisphosphate 3-kinase catalytic subunit alpha; plus strand). Cytogenetic location: 3q26.32.
Variant type: single nucleotide variant.
Coding change: c.476C>T on transcript NM_006218.4 (MANE Select); coding-DNA position 476, C replaced by T.
Protein change: p.Pro159Leu; replaces proline 159 with leucine.
Molecular consequence: missense variant.
Genome position (GRCh38, 1-based): chr3:179,199,813, C>T. VCF-style: chr3-179199813-C-T. GRCh37 (hg19) VCF-style: chr3-178917601-C-T.
Other names: c.476C>T (LRG_310t1, NM_006218.3); short protein forms P159L.
Identifiers: ClinVar variation 403905 (VCV000403905.10), dbSNP rs200762923, ClinGen allele CA16611291.
Genomic context (GRCh38, chr3:179,199,813, plus strand): 5'-TCCGAAGAAATATTCTGAACGTTTGTAAAGAAGCTGTGGATCTTAGGGACCTCAATTCAC[C>T]TCATAGTAGAGCAATGTATGTCTATCCTCCAAATGTAGAATCTTCACCAGAATTGCCAAA-3'
Protein context (NP_006209.2, residues 149-169): EAVDLRDLNS[Pro159Leu]HSRAMYVYPP

ClinVar aggregate classification (germline): Uncertain significance. Review status: criteria provided, multiple submitters, no conflicts (2 of 4 stars). 2 submissions from 2 submitters: Uncertain significance (2). Last evaluated 2023-09-01.

Conditions:
Cowden syndrome (CS). Also called: Cowden's disease; Cowden's syndrome; Cowden disease. Identifiers: Orphanet 201, MedGen C0018553, MONDO:0016063. Disease mechanism: gain of function.
PIK3CA-related disorder. Also called: PIK3CA-related disorders; PIK3CA-related condition; PIK3CA- related disease.

Allele frequency attached by ClinVar (database versions not stated): gnomAD exomes 0.00001.
gnomAD v4.1: 18 of 1,612,452 alleles (0.0011%); highest among the groups gnomAD compares: Non-Finnish European, 0.0015%; no homozygotes.

Submissions (2):

PreventionGenetics, part of Exact Sciences
Classification: Uncertain significance for PIK3CA-related condition. Last evaluated: 2023-09-01. Review status: criteria provided, single submitter. Criteria: ACMG Guidelines, 2015. Collection method: clinical testing. Allele origin: germline.
Comment: The PIK3CA c.476C>T variant is predicted to result in the amino acid substitution p.Pro159Leu. To our knowledge, this variant has not been reported in the literature or in a large population database, indicating this variant is rare. At this time, the clinical significance of this variant is uncertain due to the absence of conclusive functional and genetic evidence.

Labcorp Genetics (formerly Invitae), Labcorp
Classification: Uncertain significance for Cowden syndrome. Last evaluated: 2022-07-12. Review status: criteria provided, single submitter. Criteria: Invitae Variant Classification Sherloc (09022015). Collection method: clinical testing. Allele origin: germline.
Comment: This sequence change replaces proline, which is neutral and non-polar, with leucine, which is neutral and non-polar, at codon 159 of the PIK3CA protein (p.Pro159Leu). This variant is not present in population databases (gnomAD no frequency). This variant has not been reported in the literature in individuals affected with PIK3CA-related conditions. ClinVar contains an entry for this variant (Variation ID: 403905). Algorithms developed to predict the effect of missense changes on protein structure and function are either unavailable or do not agree on the potential impact of this missense change (SIFT: "Deleterious"; PolyPhen-2: "Benign"; Align-GVGD: "Class C35"). In summary, the available evidence is currently insufficient to determine the role of this variant in disease. Therefore, it has been classified as a Variant of Uncertain Significance.